The following is an entry in ClinVar:

NM_001032386.2(SUOX):c.1376G>A (p.Arg459Gln)

Gene: SUOX (sulfite oxidase; plus strand). Cytogenetic location: 12q13.2.
Variant type: single nucleotide variant.
Coding change: c.1376G>A on transcript NM_001032386.2 (MANE Select); coding-DNA position 1376, G replaced by A.
Protein change: p.Arg459Gln; replaces arginine 459 with glutamine.
Molecular consequence: missense variant.
Genome position (GRCh38, 1-based): chr12:56,004,765, G>A. VCF-style: chr12-56004765-G-A. GRCh37 (hg19) VCF-style: chr12-56398549-G-A.
Other names: c.1376G>A, p.Arg459Gln (NM_000456.3, NM_001032387.2); short protein forms R459Q.
Identifiers: ClinVar variation 638376 (VCV000638376.19), dbSNP rs776356158, ClinGen allele CA6621160.
Genomic context (GRCh38, chr12:56,004,765, plus strand): 5'-AATCAGGGGAGGTGACCATCAAGGGCTATGCATGGAGTGGTGGTGGCAGGGCTGTGATCC[G>A]GGTGGATGTGTCTCTGGATGGGGGCCTAACCTGGCAGGTGGCTAAGCTGGATGGAGAGGA-3'
Protein context (NP_001027558.1, residues 449-469): AWSGGGRAVI[Arg459Gln]VDVSLDGGLT

ClinVar aggregate classification (germline): Pathogenic/Likely pathogenic. Review status: criteria provided, multiple submitters, no conflicts (2 of 4 stars). 5 submissions from 5 submitters: Pathogenic (2); Likely pathogenic (3). Last evaluated 2024-10-14.

Conditions:
Sulfite oxidase deficiency. Also called: Isolated sulfite oxidase deficiency. Identifiers: Orphanet 833, Orphanet 99731, MedGen C0268624, MONDO:0010089, OMIM 272300, HP:0003643.
Sulfocysteinuria. Identifiers: MedGen C2931746, HP:0032350.

Allele frequency attached by ClinVar (database versions not stated): gnomAD exomes below 0.00001 and 0.00002; TOPMed below 0.00001; ExAC 0.00001.
gnomAD v4.1: 7 of 1,614,100 alleles (0.00043%); highest among the groups gnomAD compares: African/African-American, 0.0027%; no homozygotes.

Submissions (5):

Women's Health and Genetics/Laboratory Corporation of America, LabCorp
Classification: Pathogenic for Sulfocysteinuria. Last evaluated: 2024-10-14. Review status: criteria provided, single submitter. Criteria: LabCorp Variant Classification Summary - May 2015. Collection method: clinical testing. Allele origin: germline.
Comment: Variant summary: SUOX c.1376G>A (p.Arg459Gln) results in a conservative amino acid change in the encoded protein sequence. Three of five in-silico tools predict a damaging effect of the variant on protein function. The variant allele was found at a frequency of 1.6e-05 in 251378 control chromosomes (gnomAD). c.1376G>A has been reported in the literature in individuals affected with Sulfite Oxidase Deficiency (e.g. Montaut_2018, Tian_2019). These data indicate that the variant is likely to be associated with disease. At least one publication reports experimental evidence evaluating an impact on protein function (Kaczmarek_2021). The most pronounced variant effect results in <10% of normal activity. The following publications have been ascertained in the context of this evaluation (PMID: 31870341, 29913018, 34420858). ClinVar contains an entry for this variant (Variation ID: 638376). Based on the evidence outlined above, the variant was classified as pathogenic.

Labcorp Genetics (formerly Invitae), Labcorp
Classification: Pathogenic for Sulfite oxidase deficiency. Last evaluated: 2024-07-06. Review status: criteria provided, single submitter. Criteria: Invitae Variant Classification Sherloc (09022015). Collection method: clinical testing. Allele origin: germline.
Comment: This sequence change replaces arginine, which is basic and polar, with glutamine, which is neutral and polar, at codon 459 of the SUOX protein (p.Arg459Gln). This variant is present in population databases (rs776356158, gnomAD 0.007%). This missense change has been observed in individual(s) with sulfite oxidase deficiency (PMID: 31870341). In at least one individual the data is consistent with being in trans (on the opposite chromosome) from a pathogenic variant. It has also been observed to segregate with disease in related individuals. ClinVar contains an entry for this variant (Variation ID: 638376). Advanced modeling of protein sequence and biophysical properties (such as structural, functional, and spatial information, amino acid conservation, physicochemical variation, residue mobility, and thermodynamic stability) performed at Invitae indicates that this missense variant is expected to disrupt SUOX protein function with a positive predictive value of 80%. For these reasons, this variant has been classified as Pathogenic.

Genomic Medicine Center of Excellence, King Faisal Specialist Hospital and Research Centre
Classification: Likely pathogenic for Sulfite oxidase deficiency. Last evaluated: 2024-03-29. Review status: criteria provided, single submitter. Criteria: ACMG Guidelines, 2015. Collection method: clinical testing. Allele origin: germline.

Genomic Research Center, Shahid Beheshti University of Medical Sciences
Classification: Likely pathogenic for Sulfite oxidase deficiency. Last evaluated: 2019-04-27. Review status: criteria provided, single submitter. Criteria: ACMG Guidelines, 2015. Collection method: clinical testing. Allele origin: inherited. Affected: yes.

Juno Genomics, Hangzhou Juno Genomics, Inc
Classification: Likely pathogenic for Sulfite oxidase deficiency. Review status: criteria provided, single submitter. Criteria: ACMG Guidelines, 2015. Collection method: clinical testing. Allele origin: germline.
Comment: Absent from controls (or at extremely low frequency if recessive) in Genome Aggregation Database.;For recessive disorders, detected in trans with a pathogenic variant.;Co-segregation with disease in multiple affected family members.;Well-established in vitro or in vivo functional studies supportive of a damaging effect on the gene or gene product.

Literature cited by the submitters: PubMed 29913018 (cited by Women's Health and Genetics/Laboratory Corporation of America, LabCorp); PubMed 34420858 (cited by Women's Health and Genetics/Laboratory Corporation of America, LabCorp); PubMed 31870341 (cited by Women's Health and Genetics/Laboratory Corporation of America, LabCorp and Labcorp Genetics (formerly Invitae), Labcorp).